The following is an entry in ClinVar:

NM_017841.4(SDHAF2):c.453G>T (p.Gln151His)

Gene: SDHAF2 (succinate dehydrogenase complex assembly factor 2; plus strand). Cytogenetic location: 11q12.2.
Variant type: single nucleotide variant.
Coding change: c.453G>T on transcript NM_017841.4 (MANE Select); coding-DNA position 453, G replaced by T.
Protein change: p.Gln151His; replaces glutamine 151 with histidine.
Molecular consequence: missense variant.
Genome position (GRCh38, 1-based): chr11:61,446,023, G>T. VCF-style: chr11-61446023-G-T. GRCh37 (hg19) VCF-style: chr11-61213495-G-T.
Other names: short protein forms Q151H.
Identifiers: ClinVar variation 1741342 (VCV001741342.3), dbSNP rs1271900425, ClinGen allele CA380685433.

ClinVar aggregate classification (germline): Uncertain significance (1 of 4 stars; one submission).

Conditions:
Hereditary cancer-predisposing syndrome. Also called: Hereditary Cancer Syndrome; Hereditary neoplastic syndrome; Neoplastic Syndromes, Hereditary; Tumor predisposition. Identifiers: Orphanet 140162, MedGen C0027672, MeSH D009386, MONDO:0015356.

Submission:

Ambry Genetics
Classification: Uncertain significance for Hereditary cancer-predisposing syndrome. Last evaluated: 2024-10-13. Review status: criteria provided, single submitter. Criteria: Ambry Variant Classification Scheme 2023. Collection method: clinical testing. Allele origin: germline.
Comment: The p.Q151H variant (also known as c.453G>T), located in coding exon 4 of the SDHAF2 gene, results from a G to T substitution at nucleotide position 453. The glutamine at codon 151 is replaced by histidine, an amino acid with highly similar properties. This amino acid position is conserved. In addition, the in silico prediction for this alteration is inconclusive. Since supporting evidence is limited at this time, the clinical significance of this alteration remains unclear.